The following is an entry in ClinVar:

ClinVar aggregate classification (germline): Uncertain significance. Review status: criteria provided, multiple submitters, no conflicts (2 of 4 stars). 4 submissions from 4 submitters: Uncertain significance (3). 1 of the submissions does not count toward it. Last evaluated 2024-08-20.

Conditions:
Charcot-Marie-Tooth disease type 4. Also called: Charcot-Marie-Tooth, Type 4; Charcot-Marie-Tooth disease, type IV. Identifiers: Orphanet 64749, MedGen C4082197, MONDO:0018995.
Charcot-Marie-Tooth disease type 4D. Also called: CHARCOT-MARIE-TOOTH DISEASE, DEMYELINATING, AUTOSOMAL RECESSIVE, TYPE 4D; NEUROPATHY, HEREDITARY MOTOR AND SENSORY, LOM TYPE; Charcot-Marie-Tooth Neuropathy Type 4D; CHARCOT-MARIE-TOOTH DISEASE, DEMYELINATING, TYPE 4D. Identifiers: Orphanet 99950, MedGen C1832334, MONDO:0011085, OMIM 601455.

Allele frequency attached by ClinVar (database versions not stated): ExAC 0.00001; gnomAD exomes 0.00001; TOPMed 0.00003; gnomAD 0.00005; ESP Exome Variant Server 0.00008.

Submissions (4):

Athena Diagnostics
Classification: Uncertain significance. Last evaluated: 2024-08-20. Review status: criteria provided, single submitter. Criteria: Athena Diagnostics Criteria. Collection method: clinical testing. Allele origin: unknown.
Comment: Available data are insufficient to determine the clinical significance of the variant at this time. The frequency of this variant in the general population is uninformative in assessment of its pathogenicity. Polyphen and MutationTaster yielded discordant predictions regarding whether this amino acid change is damaging to the protein.

Labcorp Genetics (formerly Invitae), Labcorp
Classification: Uncertain significance for Charcot-Marie-Tooth disease type 4. Last evaluated: 2021-08-27. Review status: criteria provided, single submitter. Criteria: Invitae Variant Classification Sherloc (09022015). Collection method: clinical testing. Allele origin: germline.
Comment: This sequence change replaces histidine with tyrosine at codon 69 of the NDRG1 protein (p.His69Tyr). The histidine residue is highly conserved and there is a moderate physicochemical difference between histidine and tyrosine. This variant is present in population databases (rs373590447, ExAC 0.001%). This variant has not been reported in the literature in individuals affected with NDRG1-related conditions. ClinVar contains an entry for this variant (Variation ID: 246546). Algorithms developed to predict the effect of missense changes on protein structure and function are either unavailable or do not agree on the potential impact of this missense change (SIFT: "Deleterious"; PolyPhen-2: "Benign"; Align-GVGD: "Class C0"). Algorithms developed to predict the effect of sequence changes on RNA splicing suggest that this variant may disrupt the consensus splice site. In summary, the available evidence is currently insufficient to determine the role of this variant in disease. Therefore, it has been classified as a Variant of Uncertain Significance.

GeneDx
Classification: Uncertain significance. Last evaluated: 2016-04-12. Review status: criteria provided, single submitter. Criteria: GeneDx Variant Classification (06012015). Collection method: clinical testing. Allele origin: germline. Affected: yes.
Comment: The H69Y variant has not been published as a pathogenic variant, nor has it been reported as a benign variant to our knowledge. It was not observed with any significant frequency in approximately 6,500 individuals of European and African American ancestry in the NHLBI Exome Sequencing Project. The H69Y variant is a non-conservative amino acid substitution, which is likely to impact secondary protein structure as these residues differ in polarity, charge, size and/or other properties. This substitution occurs at a position that is conserved across species. However, missense variants in nearby residues have not been reported in the Human Gene Mutation Database in association with NDRG1-related disorders (Stenson et al., 2014). In silico analysis is inconsistent in its predictions as to whether or not the variant is damaging to the protein structure/function. Therefore, based on the currently available information, it is unclear whether this variant is a pathogenic variant or a rare benign variant.

Natera, Inc.
Classification: Uncertain significance for Charcot-Marie-Tooth disease type 4D. Last evaluated: 2020-10-08. Review status: no assertion criteria provided. Collection method: clinical testing. Allele origin: germline. Not counted in ClinVar's aggregate classification.

NM_006096.4(NDRG1):c.205C>T (p.His69Tyr)

Gene: NDRG1 (N-myc downstream regulated 1; minus strand). Cytogenetic location: 8q24.22.
Variant type: single nucleotide variant.
Coding change: c.205C>T on transcript NM_006096.4 (MANE Select); coding-DNA position 205, C replaced by T.
Protein change: p.His69Tyr; replaces histidine 69 with tyrosine.
Molecular consequence: missense variant. On other transcripts: intron variant (1).
Genome position (GRCh38, 1-based): chr8:133,264,547, G>A on the plus strand (C>T on the coding strand, the complement: NDRG1 is on the minus strand). VCF-style: chr8-133264547-G-A. GRCh37 (hg19) VCF-style: chr8-134276790-G-A.
Other names: c.205C>T, p.His69Tyr (NM_001135242.2, NM_001374844.1, NM_001374845.1 and 1 more transcripts); c.7C>T, p.His3Tyr (NM_001258432.2, NM_001374847.1); c.-38-2380C>T (NM_001258433.2); short protein forms H69Y, H3Y.
Identifiers: ClinVar variation 246546 (VCV000246546.7), dbSNP rs373590447, ClinGen allele CA4886856.